The following is an entry in ClinVar:

NM_001080414.4(CCDC88C):c.5836C>T (p.Arg1946Cys)

Gene: CCDC88C (coiled-coil and HOOK domain protein 88C; minus strand). Cytogenetic location: 14q32.11.
Variant type: single nucleotide variant.
Coding change: c.5836C>T on transcript NM_001080414.4 (MANE Select); coding-DNA position 5836, C replaced by T.
Protein change: p.Arg1946Cys; replaces arginine 1946 with cysteine.
Molecular consequence: missense variant.
Genome position (GRCh38, 1-based): chr14:91,272,876, G>A on the plus strand (C>T on the coding strand, the complement: CCDC88C is on the minus strand). VCF-style: chr14-91272876-G-A. GRCh37 (hg19) VCF-style: chr14-91739220-G-A.
Other names: c.5836C>T (NM_001080414.3); short protein forms R1946C.
Identifiers: ClinVar variation 807160 (VCV000807160.46), dbSNP rs371862576, ClinGen allele CA7308575.

ClinVar aggregate classification (germline): Uncertain significance. Review status: criteria provided, multiple submitters, no conflicts (2 of 4 stars). 3 submissions from 3 submitters: Uncertain significance (3). Last evaluated 2026-02-24.

Conditions:
Inborn genetic diseases. Identifiers: MedGen C0950123, MeSH D030342.

Allele frequency attached by ClinVar (database versions not stated): gnomAD exomes 0.00004 and 0.00007; TOPMed 0.00004; gnomAD 0.00005; ESP Exome Variant Server 0.00008; ExAC 0.00010.
gnomAD v4.1: 70 of 1,590,516 alleles (0.0044%); highest among the groups gnomAD compares: Middle Eastern, 0.033%; no homozygotes.

Submissions (3):

GeneDx
Classification: Uncertain significance. Last evaluated: 2026-02-24. Review status: criteria provided, single submitter. Criteria: GeneDx Variant Classification Process June 2021. Collection method: clinical testing. Allele origin: germline.
Comment: In silico analysis supports that this missense variant has a deleterious effect on protein structure/function; Has not been previously published as pathogenic or benign to our knowledge

Ambry Genetics
Classification: Uncertain significance for Inborn genetic diseases. Last evaluated: 2025-08-25. Review status: criteria provided, single submitter. Criteria: Ambry Variant Classification Scheme 2023. Collection method: clinical testing. Allele origin: germline.

CeGaT Center for Human Genetics Tuebingen
Classification: Uncertain significance. Last evaluated: 2016-05-01. Review status: criteria provided, single submitter. Criteria: CeGaT Center For Human Genetics Tuebingen Variant Classification Criteria Version 2. Collection method: clinical testing. Allele origin: germline. Affected: yes. Observed: 1 variant allele.